The following is an entry in ClinVar:

ClinVar aggregate classification (germline): Uncertain significance (1 of 4 stars; one submission).

gnomAD v4.1: 3 of 1,611,644 alleles (0.00019%); highest among the groups gnomAD compares: Admixed American, 0.0033%; no homozygotes.

Submission:

Ambry Genetics
Classification: Uncertain significance. Last evaluated: 2025-02-01. Review status: criteria provided, single submitter. Criteria: Ambry Variant Classification Scheme 2023. Collection method: clinical testing. Allele origin: germline.
Comment: The c.1810C>G (p.R604G) alteration is located in exon (coding exon ) of the SH3RF3 gene. This alteration results from a C to G substitution at nucleotide position 1810, causing the arginine (R) at amino acid position 604 to be replaced by a glycine (G). Based on insufficient or conflicting evidence, the clinical significance of this alteration remains unclear.

NM_001099289.3(SH3RF3):c.1810C>G (p.Arg604Gly)

Genes: RANBP2 (RAN binding protein 2; plus strand), SH3RF3 (SH3 domain containing ring finger 3; plus strand). Cytogenetic location: 2q13.
Variant type: single nucleotide variant.
Coding change: c.1810C>G on transcript NM_001099289.3 (MANE Select); coding-DNA position 1810, C replaced by G.
Protein change: p.Arg604Gly; replaces arginine 604 with glycine.
Molecular consequence: missense variant.
Genome position (GRCh38, 1-based): chr2:109,437,128, C>G. VCF-style: chr2-109437128-C-G. GRCh37 (hg19) VCF-style: chr2-110053584-C-G.
Other names: short protein forms R604G.
Identifiers: ClinVar variation 3795447 (VCV003795447.1).
Genomic context (GRCh38, chr2:109,437,128, plus strand): 5'-GCCTCGCCCCCAACAGGCAGCTGTCTACGGCACTCAGCCCAGCCAACGGCCAGCCAAGCC[C>G]GGAGCACCATTTCAACAGGTACCTTCACAGGGGCCTCACCCTGCAGGGCATCAACAAGGG-3'
Protein context (NP_001092759.1, residues 594-614): HSAQPTASQA[Arg604Gly]STISTAAHSA